The following is an entry in ClinVar:

ClinVar aggregate classification (germline): Conflicting classifications of pathogenicity. Review status: criteria provided, conflicting classifications (1 of 4 stars). 5 submissions from 5 submitters: Uncertain significance (4); Likely benign (1). Last evaluated 2025-06-25.

Conditions:
Hereditary cancer-predisposing syndrome. Also called: Tumor predisposition; Neoplastic Syndromes, Hereditary; Hereditary Cancer Syndrome; Hereditary neoplastic syndrome. Identifiers: Orphanet 140162, MedGen C0027672, MeSH D009386, MONDO:0015356.
Multiple endocrine neoplasia, type 1 (MEN1). Also called: MEA I; MEN I; WERMER SYNDROME; Endocrine adenomatosis multiple; MEN 1. Identifiers: Orphanet 652, MedGen C0025267, MeSH D018761, MONDO:0007540, OMIM 131100.

Allele frequency attached by ClinVar (database versions not stated): TOPMed 0.00001.

Submissions (5):

Labcorp Genetics (formerly Invitae), Labcorp
Classification: Likely benign for Multiple endocrine neoplasia, type 1. Last evaluated: 2025-06-25. Review status: criteria provided, single submitter. Criteria: Invitae Variant Classification Sherloc (09022015). Collection method: clinical testing. Allele origin: germline.

Ambry Genetics
Classification: Uncertain significance for Hereditary cancer-predisposing syndrome. Last evaluated: 2024-06-27. Review status: criteria provided, single submitter. Criteria: Ambry Variant Classification Scheme 2023. Collection method: clinical testing. Allele origin: germline.
Comment: The p.A6S variant (also known as c.16G>T), located in coding exon 1 of the MEN1 gene, results from a G to T substitution at nucleotide position 16. The alanine at codon 6 is replaced by serine, an amino acid with similar properties. In one study, which performed structural analysis for MEN1 missense variants, this alteration did not meet the threshold for pathogenicity (Caswell RC et al. J Endocr Soc, 2019 Dec;3:2258-2275). This amino acid position is well conserved in available vertebrate species. In addition, the in silico prediction for this alteration is inconclusive. Since supporting evidence is limited at this time, the clinical significance of this alteration remains unclear.

Color Diagnostics, LLC DBA Color Health
Classification: Uncertain significance for Multiple endocrine neoplasia, type 1. Last evaluated: 2024-04-23. Review status: criteria provided, single submitter. Criteria: ACMG Guidelines, 2015. Collection method: clinical testing. Allele origin: germline.
Comment: This missense variant replaces alanine with serine at codon 6 of the MEN1 protein. Computational prediction suggests that this variant may not impact protein structure and function. To our knowledge, functional studies have not been reported for this variant. This variant has not been reported in individuals affected with MEN1-related disorders in the literature. This variant has been identified in 2/213384 chromosomes in the general population by the Genome Aggregation Database (gnomAD). The available evidence is insufficient to determine the role of this variant in disease conclusively. Therefore, this variant is classified as a Variant of Uncertain Significance.

All of Us Research Program, National Institutes of Health
Classification: Uncertain significance for Multiple endocrine neoplasia, type 1. Last evaluated: 2023-12-01. Review status: criteria provided, single submitter. Criteria: ACMG Guidelines, 2015. Collection method: clinical testing. Allele origin: germline. Inheritance: Autosomal dominant inheritance. Observed: 2 variant alleles, 2 heterozygotes.
Comment: This study involves interpretation of variants in research participants for the purpose of population health screening. Participant phenotype was not available at the time of variant classification. Additional details can be found in publication PMID: 35346344, PMCID: PMC8962531

St. Jude Molecular Pathology, St. Jude Children's Research Hospital
Classification: Uncertain significance for Multiple endocrine neoplasia, type 1. Last evaluated: 2022-07-11. Review status: criteria provided, single submitter. Criteria: St. Jude Assertion Criteria 2020. Collection method: clinical testing. Allele origin: germline.
Comment: The MEN1 c.16G>T (p.Ala6Ser) missense change has a maximum population frequency of 0.0079% in gnomAD v2.1.1. The in silico tool REVEL is inconclusive about a pathogenic or benign effect of this variant on protein function, and to our knowledge functional studies have not been performed. To our knowledge, this variant has not been reported in individuals with multiple endocrine neoplasia type I or MEN1-associated tumors. In summary, the evidence currently available is insufficient to determine the clinical significance of this variant. It has therefore been classified as of uncertain significance.

Literature cited by the submitters: PubMed 31737856 (cited by Ambry Genetics).

NM_001370259.2(MEN1):c.16G>T (p.Ala6Ser)

Gene: MEN1 (menin 1; minus strand). Cytogenetic location: 11q13.1.
Variant type: single nucleotide variant.
Coding change: c.16G>T on transcript NM_001370259.2 (MANE Select); coding-DNA position 16, G replaced by T.
Protein change: p.Ala6Ser; replaces alanine 6 with serine.
Molecular consequence: missense variant.
Genome position (GRCh38, 1-based): chr11:64,810,094, C>A on the plus strand (G>T on the coding strand, the complement: MEN1 is on the minus strand). VCF-style: chr11-64810094-C-A. GRCh37 (hg19) VCF-style: chr11-64577566-C-A.
Other names: c.16G>T, p.Ala6Ser (NM_000244.4, NM_001370251.2, NM_001370260.2 and 9 more transcripts); short protein forms A6S.
Identifiers: ClinVar variation 485712 (VCV000485712.27), dbSNP rs966793401, ClinGen allele CA223917347.
Genomic context (GRCh38, chr11:64,810,094, plus strand): 5'-CGGCAGCAAACAGGCGCACCACGTCGTCGATGGAGCGCAGCGGGAACAGCGTCTTCTGGG[C>A]GGCCTTCAGCCCCATGGCGGCGGGCGGTGGGCGGCGGCCTGCAAGGCAAGCCGGGGGAGG-3'
Protein context (NP_001357188.2, residues 1-16): MGLKA[Ala6Ser]QKTLFPLRSI